The following is an entry in ClinVar:

ClinVar aggregate classification (germline): Uncertain significance. Review status: criteria provided, multiple submitters, no conflicts (2 of 4 stars). 3 submissions from 3 submitters: Uncertain significance (3). Last evaluated 2025-05-03.

Conditions:
Cardiovascular phenotype. Identifiers: MedGen CN230736.
Naxos disease (NXD). Also called: WOOLLY HAIR, PALMOPLANTAR KERATODERMA, AND CARDIAC ABNORMALITIES; KERATOSIS PALMOPLANTARIS WITH ARRHYTHMOGENIC CARDIOMYOPATHY; MAL DE NAXOS; PALMOPLANTAR KERATODERMA WITH ARRHYTHMOGENIC RIGHT VENTRICULAR CARDIOMYOPATHY AND WOOLLY HAIR; CARDIOMYOPATHY, ARRHYTHMOGENIC RIGHT VENTRICULAR, WITH SKIN, HAIR, AND NAIL ABNORMALITIES. Identifiers: Orphanet 34217, MedGen C1832600, MONDO:0011017, OMIM 601214.
Arrhythmogenic right ventricular dysplasia 12. Also called: ARRHYTHMOGENIC RIGHT VENTRICULAR DYSPLASIA, FAMILIAL, 12. Identifiers: MedGen C1969081, MONDO:0012684, OMIM 611528.

Submissions (3):

Ambry Genetics
Classification: Uncertain significance for Cardiovascular phenotype. Last evaluated: 2025-05-03. Review status: criteria provided, single submitter. Criteria: Ambry Variant Classification Scheme 2023. Collection method: clinical testing. Allele origin: germline.
Comment: The p.G553V variant (also known as c.1658G>T), located in coding exon 9 of the JUP gene, results from a G to T substitution at nucleotide position 1658. The glycine at codon 553 is replaced by valine, an amino acid with dissimilar properties. This amino acid position is conserved. In addition, this alteration is predicted to be deleterious by in silico analysis. Based on the available evidence, the clinical significance of this variant remains unclear.

Labcorp Genetics (formerly Invitae), Labcorp
Classification: Uncertain significance for Arrhythmogenic right ventricular dysplasia 12; Naxos disease. Last evaluated: 2022-12-08. Review status: criteria provided, single submitter. Criteria: Invitae Variant Classification Sherloc (09022015). Collection method: clinical testing. Allele origin: germline.
Comment: Algorithms developed to predict the effect of missense changes on protein structure and function are either unavailable or do not agree on the potential impact of this missense change (SIFT: "Tolerated"; PolyPhen-2: "Probably Damaging"; Align-GVGD: "Class C0"). This sequence change replaces glycine, which is neutral and non-polar, with valine, which is neutral and non-polar, at codon 553 of the JUP protein (p.Gly553Val). This variant is not present in population databases (gnomAD no frequency). This variant has not been reported in the literature in individuals affected with JUP-related conditions. In summary, the available evidence is currently insufficient to determine the role of this variant in disease. Therefore, it has been classified as a Variant of Uncertain Significance.

Victorian Clinical Genetics Services, Murdoch Childrens Research Institute
Classification: Uncertain significance for Arrhythmogenic right ventricular dysplasia 12. Last evaluated: 2022-02-02. Review status: criteria provided, single submitter. Criteria: ACMG Guidelines, 2015. Collection method: clinical testing. Allele origin: germline. Inheritance: Autosomal dominant inheritance. Affected: yes.
Comment: Based on the classification scheme VCGS_Germline_v1.3.4, this variant is classified as VUS-3B. Following criteria are met: 0102 - Loss of function is a known mechanism of disease in this gene and is associated with arrhythmogenic right ventricular dysplasia 12 (MIM#611528) and Naxos disease (MIM#601214). (I) 0108 - This gene is associated with both recessive and dominant disease. Arrhythmogenic right ventricular dysplasia 12 (MIM#611528) is caused by dominant variants, while Naxos disease (MIM#601214) is caused by recessively inherited variants (OMIM). (I) 0200 - Variant is predicted to result in a missense amino acid change from glycine to valine. (I) 0251 - This variant is heterozygous. (I) 0301 - Variant is absent from gnomAD (both v2 and v3). (SP) 0309 - Multiple alternative amino acid changes at the same position have been observed in gnomAD (v2) (highest allele count: 1 heterozygote, 0 homozygotes). (I) 0501 - Missense variant consistently predicted to be damaging by multiple in silico tools or highly conserved with a major amino acid change. (SP) 0600 - Variant is located in the annotated armadillo repeat domain (NCBI). (I) 0705 - No comparable missense variants have previous evidence for pathogenicity. (I) 0807 - This variant has no previous evidence of pathogenicity. (I) 0905 - No published segregation evidence has been identified for this variant. (I) 1007 - No published functional evidence has been identified for this variant. (I) 1208 - Inheritance information for this variant is not currently available in this individual. (I) Legend: (SP) - Supporting pathogenic, (I) - Information, (SB) - Supporting benign

NM_002230.4(JUP):c.1658G>T (p.Gly553Val)

Gene: JUP (junction plakoglobin; minus strand). Cytogenetic location: 17q21.2.
Variant type: single nucleotide variant.
Coding change: c.1658G>T on transcript NM_002230.4 (MANE Select); coding-DNA position 1658, G replaced by T.
Protein change: p.Gly553Val; replaces glycine 553 with valine.
Molecular consequence: missense variant.
Genome position (GRCh38, 1-based): chr17:41,758,514, C>A on the plus strand (G>T on the coding strand, the complement: JUP is on the minus strand). VCF-style: chr17-41758514-C-A. GRCh37 (hg19) VCF-style: chr17-39914766-C-A.
Other names: c.1658G>T, p.Gly553Val (NM_001352773.2, NM_001352774.2, NM_001352775.2 and 3 more transcripts); short protein forms G553V.
Identifiers: ClinVar variation 2144069 (VCV002144069.6), dbSNP rs782759301, ClinGen allele CA399493319.
Genomic context (GRCh38, chr17:41,758,514, plus strand): 5'-TCCCGGGCGAGGATGTGCAGTGCTCCGGTGCAGCCCTCCACAATCTCCTCCATCCTCACA[C>A]CATCCTGTGTGAGAGGAGGCAGGGGGCATGGGACAGGTGCCTTGGACATGGCCACAACTC-3'
Protein context (NP_002221.1, residues 543-563): AAGTQQPYTD[Gly553Val]VRMEEIVEGC